The following is an entry in ClinVar:

ClinVar aggregate classification (germline): Uncertain significance (1 of 4 stars; one submission).

Allele frequency attached by ClinVar (database versions not stated): ExAC 0.00002; ESP Exome Variant Server 0.00015.

Submission:

Labcorp Genetics (formerly Invitae), Labcorp
Classification: Uncertain significance. Last evaluated: 2022-06-03. Review status: criteria provided, single submitter. Criteria: Invitae Variant Classification Sherloc (09022015). Collection method: clinical testing. Allele origin: germline.
Comment: In summary, the available evidence is currently insufficient to determine the role of this variant in disease. Therefore, it has been classified as a Variant of Uncertain Significance. Algorithms developed to predict the effect of missense changes on protein structure and function are either unavailable or do not agree on the potential impact of this missense change (SIFT: "Deleterious"; PolyPhen-2: "Probably Damaging"; Align-GVGD: "Class C0"). This variant has not been reported in the literature in individuals affected with SLC12A6-related conditions. This variant is present in population databases (rs148088722, gnomAD 0.007%). This sequence change replaces leucine, which is neutral and non-polar, with methionine, which is neutral and non-polar, at codon 509 of the SLC12A6 protein (p.Leu509Met).

NM_001365088.1(SLC12A6):c.1525C>A (p.Leu509Met)

Gene: SLC12A6 (solute carrier family 12 member 6; minus strand). Cytogenetic location: 15q14.
Variant type: single nucleotide variant.
Coding change: c.1525C>A on transcript NM_001365088.1 (MANE Select); coding-DNA position 1525, C replaced by A.
Protein change: p.Leu509Met; replaces leucine 509 with methionine.
Molecular consequence: missense variant.
Genome position (GRCh38, 1-based): chr15:34,250,697, G>T on the plus strand (C>A on the coding strand, the complement: SLC12A6 is on the minus strand). VCF-style: chr15-34250697-G-T. GRCh37 (hg19) VCF-style: chr15-34542898-G-T.
Other names: c.1348C>A, p.Leu450Met (NM_001042495.2, NM_001042494.2); c.1498C>A, p.Leu500Met (NM_001042496.2); c.1480C>A, p.Leu494Met (NM_001042497.2); c.1372C>A, p.Leu458Met (NM_005135.2); c.1525C>A, p.Leu509Met (NM_133647.2); short protein forms L450M, L500M, L458M, L509M, L494M.
Identifiers: ClinVar variation 2074347 (VCV002074347.4), dbSNP rs148088722, ClinGen allele CA7464287.